The following is an entry in ClinVar:

ClinVar aggregate classification (germline): Conflicting classifications of pathogenicity. Review status: criteria provided, conflicting classifications (1 of 4 stars). 4 submissions from 4 submitters: Uncertain significance (3); Likely benign (1). Last evaluated 2024-04-11.

Conditions:
Hereditary cancer-predisposing syndrome. Also called: Tumor predisposition; Neoplastic Syndromes, Hereditary; Hereditary neoplastic syndrome; Hereditary Cancer Syndrome. Identifiers: Orphanet 140162, MedGen C0027672, MeSH D009386, MONDO:0015356.
Hereditary breast ovarian cancer syndrome. Also called: Hereditary breast and ovarian cancer; Hereditary breast and ovarian cancer syndrome (HBOC); Breast and ovarian cancer; Hereditary breast and ovarian cancer syndrome; BRCA1- and BRCA2-Associated Hereditary Breast and Ovarian Cancer; Hereditary breast and/or ovarian cancer syndrome. Identifiers: Orphanet 145, MedGen C0677776, MeSH D061325, MONDO:0003582. Disease mechanism: loss of function.

Submissions (4):

Ambry Genetics
Classification: Uncertain significance for Hereditary cancer-predisposing syndrome. Last evaluated: 2024-04-11. Review status: criteria provided, single submitter. Criteria: Ambry Variant Classification Scheme 2023. Collection method: clinical testing. Allele origin: germline.
Comment: The p.G552D variant (also known as c.1655G>A), located in coding exon 9 of the BRCA1 gene, results from a G to A substitution at nucleotide position 1655. The glycine at codon 552 is replaced by aspartic acid, an amino acid with similar properties. This amino acid position is not well conserved in available vertebrate species. In addition, this alteration is predicted to be deleterious by in silico analysis. Based on the available evidence, the clinical significance of this variant remains unclear.

University of Washington Department of Laboratory Medicine, University of Washington
Classification: Likely benign for Hereditary cancer-predisposing syndrome. Last evaluated: 2023-03-23. Review status: criteria provided, single submitter. Criteria: Dines et al. (Genet Med. 2020). Collection method: curation. Allele origin: germline.
Comment: Missense variant in a coldspot region where missense variants are very unlikely to be pathogenic (PMID:31911673).

BRCA1 coldspot (exon 11 using historical exon numbering). Reclassification based on statistical prior probability

Color Diagnostics, LLC DBA Color Health
Classification: Uncertain significance for Hereditary cancer-predisposing syndrome. Last evaluated: 2021-10-05. Review status: criteria provided, single submitter. Criteria: ACMG Guidelines, 2015. Collection method: clinical testing. Allele origin: germline.
Comment: This missense variant replaces glycine with aspartic acid at codon 552 of the BRCA1 protein. Computational prediction is inconclusive regarding the impact of this variant on protein structure and function (internally defined REVEL score threshold 0.5 < inconclusive < 0.7, PMID: 27666373). To our knowledge, functional studies have not been reported for this variant. This variant has not been reported in individuals affected with hereditary cancer in the literature. This variant has not been identified in the general population by the Genome Aggregation Database (gnomAD). The available evidence is insufficient to determine the role of this variant in disease conclusively. Therefore, this variant is classified as a Variant of Uncertain Significance.

Labcorp Genetics (formerly Invitae), Labcorp
Classification: Uncertain significance for Hereditary breast ovarian cancer syndrome. Last evaluated: 2021-06-19. Review status: criteria provided, single submitter. Criteria: Invitae Variant Classification Sherloc (09022015). Collection method: clinical testing. Allele origin: germline.
Comment: This variant has not been reported in the literature in individuals with BRCA1-related conditions. ClinVar contains an entry for this variant (Variation ID: 631260). Advanced modeling of protein sequence and biophysical properties (such as structural, functional, and spatial information, amino acid conservation, physicochemical variation, residue mobility, and thermodynamic stability) performed at Invitae indicates that this missense variant is not expected to disrupt BRCA1 protein function. In summary, the available evidence is currently insufficient to determine the role of this variant in disease. Therefore, it has been classified as a Variant of Uncertain Significance. This sequence change replaces glycine with aspartic acid at codon 552 of the BRCA1 protein (p.Gly552Asp). The glycine residue is weakly conserved and there is a moderate physicochemical difference between glycine and aspartic acid. This variant is not present in population databases (ExAC no frequency).

NM_007294.4(BRCA1):c.1655G>A (p.Gly552Asp)

Gene: BRCA1 (BRCA1 DNA repair associated; minus strand). Cytogenetic location: 17q21.31.
Variant type: single nucleotide variant.
Coding change: c.1655G>A on transcript NM_007294.4 (MANE Select); coding-DNA position 1655, G replaced by A.
Protein change: p.Gly552Asp; replaces glycine 552 with aspartic acid.
Molecular consequence: missense variant. On other transcripts: intron variant (137).
Genome position (GRCh38, 1-based): chr17:43,093,876, C>T on the plus strand (G>A on the coding strand, the complement: BRCA1 is on the minus strand). VCF-style: chr17-43093876-C-T. GRCh37 (hg19) VCF-style: chr17-41245893-C-T.
Other names: c.1442G>A, p.Gly481Asp (NM_001407571.1, NM_001407853.1, NM_001407894.1 and 9 more transcripts); c.1655G>A, p.Gly552Asp (NM_001407581.1, NM_001407582.1, NM_001407583.1 and 30 more transcripts); c.1652G>A, p.Gly551Asp (NM_001407587.1, NM_001407590.1, NM_001407591.1 and 22 more transcripts); c.1646G>A, p.Gly549Asp (NM_001407646.1, NM_001407647.1); c.1532G>A, p.Gly511Asp (NM_001407648.1, NM_001407664.1, NM_001407665.1 and 19 more transcripts); c.1529G>A, p.Gly510Asp (NM_001407649.1, NM_001407670.1, NM_001407671.1 and 11 more transcripts); c.1577G>A, p.Gly526Asp (NM_001407653.1, NM_001407654.1, NM_001407655.1 and 4 more transcripts); c.1574G>A, p.Gly525Asp (NM_001407659.1, NM_001407660.1, NM_001407661.1 and 1 more transcripts); and 40 more; short protein forms G552D, G505D, G256D, G463D, G481D, G482D, G485D, G510D.
Identifiers: ClinVar variation 631260 (VCV000631260.17), dbSNP rs397508893, ClinGen allele CA10598724.